The following is an entry in ClinVar:

NM_030777.4(SLC2A10):c.1110T>C (p.Thr370=)

Gene: SLC2A10 (solute carrier family 2 member 10; plus strand). Cytogenetic location: 20q13.12.
Variant type: single nucleotide variant.
Coding change: c.1110T>C on transcript NM_030777.4 (MANE Select); coding-DNA position 1110, T replaced by C.
Protein change: p.Thr370=; no amino-acid change (threonine 370 retained).
Molecular consequence: synonymous variant.
Genome position (GRCh38, 1-based): chr20:46,726,146, T>C. VCF-style: chr20-46726146-T-C. GRCh37 (hg19) VCF-style: chr20-45354785-T-C.
Identifiers: ClinVar variation 507115 (VCV000507115.12), dbSNP rs760859018, ClinGen allele CA9892108.

ClinVar aggregate classification (germline): Likely benign. Review status: criteria provided, multiple submitters, no conflicts (2 of 4 stars). 4 submissions from 4 submitters: Likely benign (4). Last evaluated 2025-04-01.

Conditions:
Familial thoracic aortic aneurysm and aortic dissection (TAAD). Also called: Thoracic aortic aneurysms and dissections. Identifiers: Orphanet 91387, MedGen C4707243, MONDO:0019625.
Arterial tortuosity syndrome (ATORS). Identifiers: Orphanet 3342, MedGen C1859726, MONDO:0008818, OMIM 208050.

Allele frequency attached by ClinVar (database versions not stated): gnomAD exomes below 0.00001 and 0.00001; ExAC 0.00001; TOPMed 0.00001.
gnomAD v4.1: 7 of 1,614,250 alleles (0.00043%); highest among the groups gnomAD compares: Admixed American, 0.0017%; no homozygotes.

Submissions (4):

CeGaT Center for Human Genetics Tuebingen
Classification: Likely benign. Last evaluated: 2025-04-01. Review status: criteria provided, single submitter. Criteria: CeGaT Center For Human Genetics Tuebingen Variant Classification Criteria Version 2. Collection method: clinical testing. Allele origin: germline. Affected: yes. Observed: 1 variant allele.
Comment: SLC2A10: BP4, BP7

Ambry Genetics
Classification: Likely benign for Familial thoracic aortic aneurysm and aortic dissection. Last evaluated: 2023-09-28. Review status: criteria provided, single submitter. Criteria: Ambry Variant Classification Scheme 2023. Collection method: clinical testing. Allele origin: germline.

Labcorp Genetics (formerly Invitae), Labcorp
Classification: Likely benign for Arterial tortuosity syndrome. Last evaluated: 2023-03-31. Review status: criteria provided, single submitter. Criteria: Invitae Variant Classification Sherloc (09022015). Collection method: clinical testing. Allele origin: germline.

GeneDx
Classification: Likely benign. Last evaluated: 2017-01-31. Review status: criteria provided, single submitter. Criteria: GeneDx Variant Classification (06012015). Collection method: clinical testing. Allele origin: germline. Affected: yes.
Comment: This variant is considered likely benign or benign based on one or more of the following criteria: it is a conservative change, it occurs at a poorly conserved position in the protein, it is predicted to be benign by multiple in silico algorithms, and/or has population frequency not consistent with disease.